The following is an entry in ClinVar:

NM_017947.4(MOCOS):c.1724T>C (p.Leu575Pro)

Gene: MOCOS (molybdenum cofactor sulfurase; plus strand). Cytogenetic location: 18q12.2.
Variant type: single nucleotide variant.
Coding change: c.1724T>C on transcript NM_017947.4 (MANE Select); coding-DNA position 1724, T replaced by C.
Protein change: p.Leu575Pro; replaces leucine 575 with proline.
Molecular consequence: missense variant.
Genome position (GRCh38, 1-based): chr18:36,215,904, T>C. VCF-style: chr18-36215904-T-C. GRCh37 (hg19) VCF-style: chr18-33795867-T-C.
Other names: short protein forms L575P.
Identifiers: ClinVar variation 784377 (VCV000784377.12), dbSNP rs114735250, ClinGen allele CA8940810.

ClinVar aggregate classification (germline): Benign. Review status: criteria provided, multiple submitters, no conflicts (2 of 4 stars). 3 submissions from 3 submitters: Benign (3). Last evaluated 2026-03-02.

Conditions:
MOCOS-related disorder. Also called: MOCOS-related condition.
Xanthinuria type II. Also called: Xanthine dehydrogenase and aldehyde oxidase combined deficiency of; XDH and AOX dual deficiency. Identifiers: Orphanet 3467, Orphanet 93602, MedGen C1863688, MONDO:0011346, OMIM 603592.

Allele frequency attached by ClinVar (database versions not stated): TOPMed 0.00577; 1000 Genomes Project 0.00599; 1000 Genomes Project 30x 0.00656; gnomAD exomes 0.00047 and 0.00128; ExAC 0.00166; gnomAD 0.00466 and 0.00499; ESP Exome Variant Server 0.00469.
gnomAD v4.1: 1,413 of 1,613,954 alleles (0.088%); highest among the groups gnomAD compares: African/African-American, 1.7%; 14 homozygotes.

Submissions (3):

PreventionGenetics, part of Exact Sciences
Classification: Benign for MOCOS-related condition. Last evaluated: 2026-03-02. Review status: criteria provided, single submitter. Criteria: ACMG Guidelines, 2015. Collection method: clinical testing. Allele origin: germline.
Comment: This variant is classified as benign based on ACMG/AMP sequence variant interpretation guidelines (Richards et al. 2015 PMID: 25741868, with internal and published modifications).

Labcorp Genetics (formerly Invitae), Labcorp
Classification: Benign for Xanthinuria type II. Last evaluated: 2026-01-24. Review status: criteria provided, single submitter. Criteria: Invitae Variant Classification Sherloc (09022015). Collection method: clinical testing. Allele origin: germline.

Breakthrough Genomics
Classification: Benign. Review status: criteria provided, single submitter. Criteria: ACMG Guidelines, 2015. Collection method: not provided. Allele origin: germline. Inheritance: Autosomal recessive inheritance. Affected: yes.